The following is an entry in ClinVar:

ClinVar aggregate classification (germline): Pathogenic (1 of 4 stars; one submission).

Conditions:
Nemaline myopathy 2 (NEM2). Also called: Nemaline myopathy 2, autosomal recessive. Identifiers: MedGen C1850569, MONDO:0009725, OMIM 256030.

Submission:

Myriad Genetics, Inc.
Classification: Pathogenic for Nemaline myopathy 2. Last evaluated: 2025-05-11. Review status: criteria provided, single submitter. Criteria: Myriad Autosomal Dominant, Autosomal Recessive and X-Linked Classification Criteria (2023). Collection method: clinical testing. Allele origin: unknown.
Comment: NM_001271208.1(NEB):c.2263dupT(S755Ffs*15) is expected to be pathogenic in the context of NEB-related nemaline myopathy. This variant is predicted to lead to an abnormal or absent protein product due to the creation of a premature termination codon in NEB, a gene where loss-of-function variants are known to be pathogenic. Please note: this variant was assessed in the context of healthy population screening.

NM_001164508.2(NEB):c.2263dup (p.Ser755fs)

Gene: NEB (nebulin; minus strand). Cytogenetic location: 2q23.3.
Variant type: Duplication.
Coding change: c.2263dup on transcript NM_001164508.2 (MANE Select); coding-DNA position 2263, one base duplicated (T; older notation c.2263dupT).
Protein change: p.Ser755fs; shifts the reading frame from serine 755.
Molecular consequence: frameshift variant.
Genome position (GRCh38, 1-based): chr2:151,690,774, A duplicated on the plus strand (T on the coding strand, the reverse complement: NEB is on the minus strand); the first of 2 consecutive A bases (chr2:151,690,774-151,690,775); duplicating either gives the same sequence. VCF-style (leftmost placement, unchanged base first): chr2-151690773-G-GA. GRCh37 (hg19) VCF-style: chr2-152547287-G-GA.
Other names: c.2263dup, p.Ser755fs (NM_001164507.2, NM_001271208.2, NM_004543.5); short protein forms S755fs.
Identifiers: ClinVar variation 5014425 (VCV005014425.1).